The following is an entry in ClinVar:

NM_013352.4(DSE):c.1745C>T (p.Thr582Ile)

Gene: DSE (dermatan sulfate epimerase; plus strand). Cytogenetic location: 6q22.1.
Variant type: single nucleotide variant.
Coding change: c.1745C>T on transcript NM_013352.4 (MANE Select); coding-DNA position 1745, C replaced by T.
Protein change: p.Thr582Ile; replaces threonine 582 with isoleucine.
Molecular consequence: missense variant. On other transcripts: 3 prime UTR variant (2), non-coding transcript variant (1).
Genome position (GRCh38, 1-based): chr6:116,436,213, C>T. VCF-style: chr6-116436213-C-T. GRCh37 (hg19) VCF-style: chr6-116757376-C-T.
Other names: p.Thr582Ile; c.1745C>T, p.Thr582Ile (NM_001080976.3, NM_001322937.2, NM_001322938.2); c.1802C>T, p.Thr601Ile (NM_001322939.2); c.1184C>T, p.Thr395Ile (NM_001322940.2, NM_001322941.2); c.*610C>T (NM_001322943.2, NM_001322944.2); c.746C>T, p.Thr249Ile (NM_001374520.1); c.710C>T, p.Thr237Ile (NM_001374521.1); short protein forms T601I, T395I, T237I, T582I, T249I.
Identifiers: ClinVar variation 4541204 (VCV004541204.1).

ClinVar aggregate classification (germline): Uncertain significance (1 of 4 stars; one submission).

gnomAD v4.1: 8 of 1,613,932 alleles (0.0005%); highest among the groups gnomAD compares: Admixed American, 0.0017%; no homozygotes.

Submission:

Mayo Clinic Laboratories, Mayo Clinic
Classification: Uncertain significance. Last evaluated: 2025-10-17. Review status: criteria provided, single submitter. Criteria: ACMG Guidelines, 2015. Collection method: clinical testing. Allele origin: germline. Observed: 1 variant allele.
Comment: BP4_strong, PM2_supporting